The following is an entry in ClinVar:

NM_000059.4(BRCA2):c.8894del (p.Asp2965fs)

Gene: BRCA2 (BRCA2 DNA repair associated; plus strand). Cytogenetic location: 13q13.1.
Variant type: Deletion.
Coding change: c.8894del on transcript NM_000059.4 (MANE Select); coding-DNA position 8894, one base deleted (A; older notation c.8894delA).
Protein change: p.Asp2965fs; shifts the reading frame from aspartic acid 2965.
Molecular consequence: frameshift variant. On other transcripts: non-coding transcript variant (1).
Genome position (GRCh38, 1-based): chr13:32,379,456, A deleted. VCF-style (leftmost placement, unchanged base first): chr13-32379455-GA-G. GRCh37 (hg19) VCF-style: chr13-32953592-GA-G.
Other names: c.8798del, p.Asp2933fs (NM_001406719.1); c.8894del, p.Asp2965fs (NM_001406720.1, NM_001432077.1); c.3962del, p.Asp1321fs (NM_001406721.1); c.2477del, p.Asp826fs (NM_001406722.1); short protein forms D1321fs, D2933fs, D2965fs, D826fs.
Identifiers: ClinVar variation 3773408 (VCV003773408.1).

ClinVar aggregate classification (germline): Pathogenic (1 of 4 stars; one submission).

Conditions:
Breast-ovarian cancer, familial, susceptibility to, 2 (BROVCA2). Also called: BRCA2 Hereditary Breast and Ovarian Cancer. Identifiers: Orphanet 145, MedGen C2675520, MONDO:0012933, OMIM 612555. Disease mechanism: loss of function.

Submission:

Myriad Genetics, Inc.
Classification: Pathogenic for Breast-ovarian cancer, familial, susceptibility to, 2. Last evaluated: 2024-12-05. Review status: criteria provided, single submitter. Criteria: Myriad Autosomal Dominant, Autosomal Recessive and X-Linked Classification Criteria (2023). Collection method: clinical testing. Allele origin: unknown.
Comment: This variant is considered pathogenic. This variant creates a frameshift predicted to result in premature protein truncation.